The following is an entry in ClinVar:

NM_174936.4(PCSK9):c.1479del (p.Lys494fs)

Gene: PCSK9 (proprotein convertase subtilisin/kexin type 9; plus strand). Cytogenetic location: 1p32.3.
Variant type: Deletion.
Coding change: c.1479del on transcript NM_174936.4 (MANE Select); coding-DNA position 1479, one base deleted (G; older notation c.1479delG).
Protein change: p.Lys494fs; shifts the reading frame from lysine 494.
Molecular consequence: frameshift variant.
Genome position (GRCh38, 1-based): chr1:55,058,623, G deleted; the last of 3 consecutive G bases (chr1:55,058,621-55,058,623); deleting any one gives the same sequence. VCF-style (leftmost placement, unchanged base first): chr1-55058620-TG-T. GRCh37 (hg19) VCF-style: chr1-55524293-TG-T.
Other names: c.1602delG, p.Lys535Serfs (NM_001407240.1); c.1479delG, p.Lys494Serfs (NM_001407241.1); c.1482delG, p.Lys495Serfs (NM_001407242.1); c.1422delG, p.Lys475Serfs (NM_001407243.1); c.1305delG, p.Lys436Serfs (NM_001407244.1); c.1287delG, p.Lys430Serfs (NM_001407245.1); c.1104delG, p.Lys369Serfs (NM_001407246.1); short protein forms K494fs.
Identifiers: ClinVar variation 1705144 (VCV001705144.2), dbSNP rs770799532, ClinGen allele CA037118.
Genomic context (GRCh38, chr1:55,058,620, plus strand): 5'-AGCCGTCGCCCGCTGCGCCCCAGATGAGGAGCTGCTGAGCTGCTCCAGTTTCTCCAGGAG[TG>T]GGAAGCGGCGGGGCGAGCGCATGGAGGTGACTGTACCCCTCCTTCGTGTGTGTGTGTGTG-3'

ClinVar aggregate classification (germline): Uncertain significance. Review status: criteria provided, multiple submitters, no conflicts (2 of 4 stars). 2 submissions from 2 submitters: Uncertain significance (2). Last evaluated 2023-05-31.

Conditions:
Hypercholesterolemia, autosomal dominant, 3 (FHCL3). Also called: Familial Hypercholesterolemia, Autosomal Dominant, 3; PCSK9-Related Familial Hypercholesterolemia, Autosomal Dominant; Familial hypercholesterolemia 3. Identifiers: MedGen C1863551, MONDO:0011369, OMIM 603776.

Submissions (2):

All of Us Research Program, National Institutes of Health
Classification: Uncertain significance for Hypercholesterolemia, autosomal dominant, 3. Last evaluated: 2023-05-31. Review status: criteria provided, single submitter. Criteria: ACMG Guidelines, 2015. Collection method: clinical testing. Allele origin: germline. Inheritance: Autosomal dominant inheritance. Observed: 1 variant allele, 1 heterozygote.
Comment: This study involves interpretation of variants in research participants for the purpose of population health screening. Participant phenotype was not available at the time of variant classification. Additional details can be found in publication PMID: 35346344, PMCID: PMC8962531

Women's Health and Genetics/Laboratory Corporation of America, LabCorp
Classification: Uncertain significance. Last evaluated: 2022-08-18. Review status: criteria provided, single submitter. Criteria: LabCorp Variant Classification Summary - May 2015. Collection method: clinical testing. Allele origin: germline.
Comment: Variant summary: PCSK9 c.1479delG (p.Lys494SerfsX86) results in a premature termination codon, predicted to cause a truncation of the encoded protein or absence of the protein due to nonsense mediated decay. The variant allele was found at a frequency of 8e-06 in 250154 control chromosomes (gnomAD). The available data on variant occurrences in the general population are insufficient to allow any conclusion about variant significance. To our knowledge, no occurrence of c.1479delG in individuals affected with Familial Hypercholesterolemia and no experimental evidence demonstrating its impact on protein function have been reported. No clinical diagnostic laboratories have submitted clinical-significance assessments for this variant to ClinVar after 2014. Based on the evidence outlined above, the variant was classified as uncertain significance.

Literature cited by the submitters: PubMed 27602404 (cited by Women's Health and Genetics/Laboratory Corporation of America, LabCorp).